The following is an entry in ClinVar:

ClinVar aggregate classification (germline): Uncertain significance. Review status: criteria provided, single submitter (1 of 4 stars). 2 submissions from 2 submitters: Uncertain significance (1). 1 of the submissions does not count toward it. Last evaluated 2024-04-29.

Conditions:
NPHP1-related disorder. Also called: NPHP1-related condition; NPHP1-related disorders.
Joubert syndrome with renal defect. Also called: JOUBERT SYNDROME 4. Identifiers: Orphanet 220497, MedGen C1846790, MONDO:0012308, OMIM 609583.
Nephronophthisis 1 (NPHP1). Also called: Nephronophthisis familial juvenile. Identifiers: Orphanet 655, Orphanet 93592, MedGen C1855681, MONDO:0009728, OMIM 256100.
Senior-Loken syndrome 1 (SLSN1). Also called: JUVENILE NEPHRONOPHTHISIS WITH LEBER AMAUROSIS. Identifiers: Orphanet 3156, MedGen C4551559, MONDO:0009962, OMIM 266900.

Submissions (2):

Fulgent Genetics
Classification: Uncertain significance for Nephronophthisis 1; Senior-Loken syndrome 1; Joubert syndrome with renal defect. Last evaluated: 2024-04-29. Review status: criteria provided, single submitter. Criteria: ACMG Guidelines, 2015. Collection method: clinical testing. Allele origin: germline.

PreventionGenetics, part of Exact Sciences
Classification: Uncertain significance for NPHP1-related condition. Last evaluated: 2024-08-02. Review status: no assertion criteria provided. Collection method: clinical testing. Allele origin: germline. Not counted in ClinVar's aggregate classification.
Comment: The NPHP1 c.589G>A variant is predicted to result in the amino acid substitution p.Gly197Arg. To our knowledge, this variant has not been reported in the literature or in gnomAD, indicating this variant is rare. At this time, the clinical significance of this variant is uncertain due to the absence of conclusive functional and genetic evidence.

NM_001128178.3(NPHP1):c.589G>A (p.Gly197Arg)

Gene: NPHP1 (nephrocystin 1; minus strand). Cytogenetic location: 2q13.
Variant type: single nucleotide variant.
Coding change: c.589G>A on transcript NM_001128178.3 (MANE Select); coding-DNA position 589, G replaced by A.
Protein change: p.Gly197Arg; replaces glycine 197 with arginine.
Molecular consequence: missense variant.
Genome position (GRCh38, 1-based): chr2:110,168,487, C>T on the plus strand (G>A on the coding strand, the complement: NPHP1 is on the minus strand). VCF-style: chr2-110168487-C-T. GRCh37 (hg19) VCF-style: chr2-110926064-C-T.
Other names: c.589G>A, p.Gly197Arg (NM_000272.5, NM_001374256.1, NM_001374257.1 and 1 more transcripts); c.403G>A, p.Gly135Arg (NM_001128179.3); c.589G>A (NM_000272.4); short protein forms G135R, G197R.
Identifiers: ClinVar variation 3344439 (VCV003344439.2).